The following is an entry in ClinVar:

NM_001267550.2(TTN):c.47660_47663del (p.Gly15887fs)

Genes: TTN (titin; minus strand), TTN-AS1 (TTN antisense RNA 1; plus strand). Cytogenetic location: 2q31.2.
Variant type: Deletion.
Coding change: c.47660_47663del on transcript NM_001267550.2 (MANE Select); coding-DNA positions 47660 to 47663, 4 bases deleted (GAGG; older notation c.47660_47663delGAGG).
Protein change: p.Gly15887fs; shifts the reading frame from glycine 15887.
Molecular consequence: frameshift variant.
Genome position (GRCh38, 1-based): chr2:178,617,422-178,617,425, CCTC deleted on the plus strand (GAGG on the coding strand, the reverse complement: TTN is on the minus strand); deleting any 4 consecutive bases within chr2:178,617,422-178,617,426 gives the same sequence; the c. name uses the placement nearest the transcript's 3' end. VCF-style (leftmost placement, unchanged base first): chr2-178617421-TCCTC-T. GRCh37 (hg19) VCF-style: chr2-179482148-TCCTC-T.
Other names: c.42737_42740del, p.Gly14246fs (NM_001256850.1); c.20465_20468del, p.Gly6822fs (NM_003319.4); c.39956_39959del, p.Gly13319fs (NM_133378.4); c.20840_20843del, p.Gly6947fs (NM_133432.3); c.21041_21044del, p.Gly7014fs (NM_133437.4); short protein forms G14246fs, G15887fs, G13319fs, G6822fs, G6947fs, G7014fs.
Identifiers: ClinVar variation 2129953 (VCV002129953.5), dbSNP rs2470850580, ClinGen allele CA2580065364.
Genomic context (GRCh38, chr2:178,617,421, plus strand): 5'-ACGAATCCAATTATCTTTTCCTTCTTCGCATCGCTCAATTATATAGCCTAATATTGGGCT[TCCTC>T]CATCTTTCAGAGGAGGTTCCCATTTGAGCTGAACTGATGACTGAGTCTGATCTGAGGAAG-3'

ClinVar aggregate classification (germline): Likely pathogenic. Review status: criteria provided, single submitter (1 of 4 stars). 2 submissions from 2 submitters: Likely pathogenic (1). 1 of the submissions does not count toward it. Last evaluated 2022-04-24.

Conditions:
Dilated cardiomyopathy 1G (CMD1G). Identifiers: Orphanet 154, MedGen C1858763, MONDO:0011400, OMIM 604145.
Autosomal recessive limb-girdle muscular dystrophy type 2J (LGMDR10). Also called: Limb-girdle muscular dystrophy, type 2J; MUSCULAR DYSTROPHY, LIMB-GIRDLE, AUTOSOMAL RECESSIVE 10. Identifiers: Orphanet 140922, MedGen C1837342, MONDO:0012127, OMIM 608807.

Submissions (2):

Labcorp Genetics (formerly Invitae), Labcorp
Classification: Likely pathogenic for Dilated cardiomyopathy 1G; Autosomal recessive limb-girdle muscular dystrophy type 2J. Last evaluated: 2022-04-24. Review status: criteria provided, single submitter. Criteria: Invitae Variant Classification Sherloc (09022015). Collection method: clinical testing. Allele origin: germline.
Comment: In summary, the currently available evidence indicates that the variant is pathogenic, but additional data are needed to prove that conclusively. Therefore, this variant has been classified as Likely Pathogenic. This variant is located in the A band of TTN (PMID: 25589632). Truncating variants in this region are significantly overrepresented in patients affected with dilated cardiomyopathy (PMID: 25589632). Truncating variants in this region have also been reported in individuals affected with autosomal recessive centronuclear myopathy (PMID: 23975875). This variant has not been reported in the literature in individuals affected with TTN-related conditions. This variant is not present in population databases (gnomAD no frequency). This sequence change creates a premature translational stop signal (p.Gly15887Glufs*5) in the TTN gene. While this is not anticipated to result in nonsense mediated decay, it is expected to create a truncated TTN protein.

Cardiogenetics and Myogenetics Molecular and Cellular Functional Unit, Aphp Sorbonne University-Hopital Pitie Salpetriere
Classification: Likely pathogenic for Dilated cardiomyopathy 1G. Last evaluated: 2024-01-06. Review status: no assertion criteria provided. Collection method: clinical testing. Allele origin: germline. Affected: yes. Not counted in ClinVar's aggregate classification.

Literature cited by the submitters: PubMed 25589632 (cited by Labcorp Genetics (formerly Invitae), Labcorp); PubMed 23975875 (cited by Labcorp Genetics (formerly Invitae), Labcorp).